The following is an entry in ClinVar:

NM_002519.3(NPAT):c.642A>T (p.Glu214Asp)

Gene: NPAT (nuclear protein, coactivator of histone transcription; minus strand). Cytogenetic location: 11q22.3.
Variant type: single nucleotide variant.
Coding change: c.642A>T on transcript NM_002519.3 (MANE Select); coding-DNA position 642, A replaced by T.
Protein change: p.Glu214Asp; replaces glutamic acid 214 with aspartic acid.
Molecular consequence: missense variant.
Genome position (GRCh38, 1-based): chr11:108,186,566, T>A on the plus strand (A>T on the coding strand, the complement: NPAT is on the minus strand). VCF-style: chr11-108186566-T-A. GRCh37 (hg19) VCF-style: chr11-108057293-T-A.
Other names: c.642A>T, p.Glu214Asp (NM_001321307.1); short protein forms E214D.
Identifiers: ClinVar variation 3300624 (VCV003300624.1).
Genomic context (GRCh38, chr11:108,186,566, plus strand): 5'-ATCTTGGAAATTCCGTATTGTTGAATGAGGGCCAGACAAAGTGGTACTTTTTCTCTGAGA[T>A]TCACTGAAACACATTTTAAAAGCTTTTCTTTTAACCACTATATTTAACAGATTTAAAGAT-3'
Protein context (NP_002510.2, residues 204-224): SLMSPGRRKS[Glu214Asp]SQRKSTTLSG

ClinVar aggregate classification (germline): Uncertain significance (1 of 4 stars; one submission).

gnomAD v4.1: 1 of 1,612,970 alleles (0.000062%); highest among the groups gnomAD compares: Non-Finnish European, 0.000085%; no homozygotes.

Submission:

Ambry Genetics
Classification: Uncertain significance. Last evaluated: 2024-05-24. Review status: criteria provided, single submitter. Criteria: Ambry Variant Classification Scheme 2023. Collection method: clinical testing. Allele origin: germline.
Comment: The p.E214D variant (also known as c.642A>T), located in coding exon 8 of the NPAT gene, results from an A to T substitution at nucleotide position 642. The glutamic acid at codon 214 is replaced by aspartic acid, an amino acid with highly similar properties. This amino acid position is conserved. In addition, this alteration is predicted to be tolerated by in silico analysis. Based on the available evidence, the clinical significance of this variant remains unclear.